The following is an entry in ClinVar:

ClinVar aggregate classification (germline): Conflicting classifications of pathogenicity. Review status: criteria provided, conflicting classifications (1 of 4 stars). 3 submissions from 3 submitters: Uncertain significance (2); Likely benign (1). Last evaluated 2023-12-05.

Conditions:
Hereditary breast ovarian cancer syndrome. Also called: Hereditary breast and ovarian cancer; Hereditary breast and ovarian cancer syndrome (HBOC); BRCA1- and BRCA2-Associated Hereditary Breast and Ovarian Cancer; Breast and ovarian cancer; Hereditary breast and ovarian cancer syndrome; Hereditary breast and/or ovarian cancer syndrome. Identifiers: Orphanet 145, MedGen C0677776, MeSH D061325, MONDO:0003582. Disease mechanism: loss of function.
Breast-ovarian cancer, familial, susceptibility to, 2 (BROVCA2). Also called: BRCA2 Hereditary Breast and Ovarian Cancer. Identifiers: Orphanet 145, MedGen C2675520, MONDO:0012933, OMIM 612555. Disease mechanism: loss of function.
Hereditary cancer-predisposing syndrome. Also called: Tumor predisposition; Hereditary neoplastic syndrome; Neoplastic Syndromes, Hereditary; Hereditary Cancer Syndrome. Identifiers: Orphanet 140162, MedGen C0027672, MeSH D009386, MONDO:0015356.

Submissions (3):

Labcorp Genetics (formerly Invitae), Labcorp
Classification: Uncertain significance for Hereditary breast ovarian cancer syndrome. Last evaluated: 2023-12-05. Review status: criteria provided, single submitter. Criteria: Invitae Variant Classification Sherloc (09022015). Collection method: clinical testing. Allele origin: germline.
Comment: This sequence change replaces arginine, which is basic and polar, with isoleucine, which is neutral and non-polar, at codon 1704 of the BRCA2 protein (p.Arg1704Ile). This variant is not present in population databases (gnomAD no frequency). This variant has not been reported in the literature in individuals affected with BRCA2-related conditions. ClinVar contains an entry for this variant (Variation ID: 937690). Advanced modeling of protein sequence and biophysical properties (such as structural, functional, and spatial information, amino acid conservation, physicochemical variation, residue mobility, and thermodynamic stability) performed at Invitae indicates that this missense variant is not expected to disrupt BRCA2 protein function with a negative predictive value of 95%. In summary, the available evidence is currently insufficient to determine the role of this variant in disease. Therefore, it has been classified as a Variant of Uncertain Significance.

All of Us Research Program, National Institutes of Health
Classification: Uncertain significance for Breast-ovarian cancer, familial, susceptibility to, 2. Last evaluated: 2023-08-15. Review status: criteria provided, single submitter. Criteria: ACMG Guidelines, 2015. Collection method: clinical testing. Allele origin: germline. Inheritance: Autosomal dominant inheritance. Observed: 1 variant allele, 1 heterozygote.
Comment: This missense variant replaces arginine with isoleucine at codon 1704 of the BRCA2 protein. Computational prediction suggests that this variant may not impact protein structure and function (internally defined REVEL score threshold <= 0.5, PMID: 27666373). To our knowledge, functional studies have not been reported for this variant. This variant has been reported in an individual affected with breast cancer (PMID: 25186627). This variant has not been identified in the general population by the Genome Aggregation Database (gnomAD). The available evidence is insufficient to determine the role of this variant in disease conclusively. Therefore, this variant is classified as a Variant of Uncertain Significance.

This study involves interpretation of variants in research participants for the purpose of population health screening. Participant phenotype was not available at the time of variant classification. Additional details can be found in publication PMID: 35346344, PMCID: PMC8962531

University of Washington Department of Laboratory Medicine, University of Washington
Classification: Likely benign for Hereditary cancer-predisposing syndrome. Last evaluated: 2023-03-23. Review status: criteria provided, single submitter. Criteria: Dines et al. (Genet Med. 2020). Collection method: curation. Allele origin: germline.
Comment: Missense variant in a coldspot region where missense variants are very unlikely to be pathogenic (PMID:31911673).

BRCA2 exon 11 coldspot. Reclassification based on statistical prior probability.

Literature cited by the submitters: PubMed 25186627 (cited by All of Us Research Program, National Institutes of Health).

NM_000059.4(BRCA2):c.5111G>T (p.Arg1704Ile)

Gene: BRCA2 (BRCA2 DNA repair associated; plus strand). Cytogenetic location: 13q13.1.
Variant type: single nucleotide variant.
Coding change: c.5111G>T on transcript NM_000059.4 (MANE Select); coding-DNA position 5111, G replaced by T.
Protein change: p.Arg1704Ile; replaces arginine 1704 with isoleucine.
Molecular consequence: missense variant.
Genome position (GRCh38, 1-based): chr13:32,339,466, G>T. VCF-style: chr13-32339466-G-T. GRCh37 (hg19) VCF-style: chr13-32913603-G-T.
Other names: short protein forms R1704I.
Identifiers: ClinVar variation 937690 (VCV000937690.12), dbSNP rs2072520513, ClinGen allele CA387784139.
Genomic context (GRCh38, chr13:32,339,466, plus strand): 5'-CTTCATTACTTGAAGCAAAAAAATGGCTTAGAGAAGGAATATTTGATGGTCAACCAGAAA[G>T]AATAAATACTGCAGATTATGTAGGAAATTATTTGTATGAAAATAATTCAAACAGTACTAT-3'
Protein context (NP_000050.3, residues 1694-1714): REGIFDGQPE[Arg1704Ile]INTADYVGNY